The following is an entry in ClinVar:

ClinVar aggregate classification (germline): Likely benign. Review status: criteria provided, multiple submitters, no conflicts (2 of 4 stars). 2 submissions from 2 submitters: Likely benign (2). Last evaluated 2018-06-16.

Allele frequency attached by ClinVar (database versions not stated): 1000 Genomes Project 0.01438; 1000 Genomes Project 30x 0.01499; gnomAD 0.01658 and 0.01709; TOPMed 0.01746; gnomAD exomes 0.02371.
gnomAD v4.1: 22,418 of 993,190 alleles (2.3%); highest among the groups gnomAD compares: Non-Finnish European, 2.6%; 322 homozygotes.

Submissions (2):

GeneDx
Classification: Likely benign. Last evaluated: 2018-06-16. Review status: criteria provided, single submitter. Criteria: GeneDx Variant Classification (06012015). Collection method: clinical testing. Allele origin: germline. Affected: yes.
Comment: This variant is considered likely benign or benign based on one or more of the following criteria: it is a conservative change, it occurs at a poorly conserved position in the protein, it is predicted to be benign by multiple in silico algorithms, and/or has population frequency not consistent with disease.

Breakthrough Genomics
Classification: Likely benign. Review status: criteria provided, single submitter. Criteria: ACMG Guidelines, 2015. Collection method: not provided. Allele origin: germline. Inheritance: Autosomal dominant inheritance. Affected: yes.

NM_001148.6(ANK2):c.3224+111G>T

Gene: ANK2 (ankyrin 2; plus strand). Cytogenetic location: 4q26.
Variant type: single nucleotide variant.
Coding change: c.3224+111G>T on transcript NM_001148.6 (MANE Select); 111 bases into the intron after coding-DNA position 3224, G replaced by T.
Molecular consequence: intron variant.
Genome position (GRCh38, 1-based): chr4:113,332,181, G>T. VCF-style: chr4-113332181-G-T. GRCh37 (hg19) VCF-style: chr4-114253337-G-T.
Other names: c.3209+111G>T (NM_001386186.2, NM_001386148.2); c.3011+111G>T (NM_001354269.3); c.3090-873G>T (NM_001386187.2); c.3084-873G>T (NM_001386147.1, NM_001354261.2); c.3069-873G>T (NM_001386160.1); c.3173+111G>T (NM_001354254.2); c.3194+111G>T (NM_001354239.2, NM_001354252.2); c.3096-873G>T (NM_001354272.2); and 28 more.
Identifiers: ClinVar variation 674328 (VCV000674328.2), dbSNP rs56256480, ClinGen allele CA103823855.